The following is an entry in ClinVar:

NM_002693.3(POLG):c.393C>G (p.Tyr131Ter)

Genes: POLG (DNA polymerase gamma, catalytic subunit; minus strand), POLGARF (POLG alternative reading frame; minus strand). Cytogenetic location: 15q26.1.
Variant type: single nucleotide variant.
Coding change: c.393C>G on transcript NM_002693.3 (MANE Select); coding-DNA position 393, C replaced by G.
Protein change: p.Tyr131Ter; replaces tyrosine 131 with a stop codon.
Molecular consequence: nonsense. On other transcripts: missense variant (1).
Genome position (GRCh38, 1-based): chr15:89,333,362, G>C on the plus strand (C>G on the coding strand, the complement: POLG is on the minus strand). VCF-style: chr15-89333362-G-C. GRCh37 (hg19) VCF-style: chr15-89876593-G-C.
Other names: c.448C>G, p.Arg150Gly (NM_001430120.1); c.393C>G, p.Tyr131Ter (NM_001126131.2); short protein forms R150G, Y131*.
Identifiers: ClinVar variation 3350124 (VCV003350124.1).
Genomic context (GRCh38, chr15:89,333,362, plus strand): 5'-CAGGTAGGGCAGGCTCTGCTTCTGGGCCAGGAGGCGGAAGTGCTGGTCCAGGTTGTCCCC[G>C]TAGAGGGGCGGCAGGCGCAGCTCCACGTCGGGCAAGGGCACGGCTGGCTGCCCCCAGAGC-3'

ClinVar aggregate classification (germline): Likely pathogenic (0 of 4 stars; one submission).

Conditions:
POLG-related disorder. Also called: POLG-Related Spectrum Disorders; POLG-related condition; POLG-Related Disorders. Identifiers: MedGen C4763519.

Submission:

PreventionGenetics, part of Exact Sciences
Classification: Likely pathogenic for POLG-related condition. Last evaluated: 2024-06-08. Review status: no assertion criteria provided. Collection method: clinical testing. Allele origin: germline.
Comment: The POLG c.393C>G variant is predicted to result in premature protein termination (p.Tyr131*). To our knowledge, this variant has not been reported in the literature or in a large population database, indicating this variant is rare. Nonsense variants in POLG are expected to be pathogenic. This variant is interpreted as likely pathogenic.